The following is an entry in ClinVar:

NM_002692.4(POLE2):c.246-3C>A

Gene: POLE2 (DNA polymerase epsilon 2, accessory subunit; minus strand). Cytogenetic location: 14q21.3.
Variant type: single nucleotide variant.
Coding change: c.246-3C>A on transcript NM_002692.4 (MANE Select); 3 bases into the intron before coding-DNA position 246, C replaced by A.
Molecular consequence: intron variant.
Genome position (GRCh38, 1-based): chr14:49,674,430, G>T on the plus strand (C>A on the coding strand, the complement: POLE2 is on the minus strand). VCF-style: chr14-49674430-G-T. GRCh37 (hg19) VCF-style: chr14-50141148-G-T.
Other names: c.246-214C>A (NM_001197330.2); c.246-3C>A (NM_001348384.2, NM_001197331.3); c.15-3C>A (NM_001348385.2).
Identifiers: ClinVar variation 2809317 (VCV002809317.3), dbSNP rs1284351136, ClinGen allele CA2624731593.

ClinVar aggregate classification (germline): Uncertain significance (1 of 4 stars; one submission).

Submission:

Labcorp Genetics (formerly Invitae), Labcorp
Classification: Uncertain significance. Last evaluated: 2022-10-30. Review status: criteria provided, single submitter. Criteria: Invitae Variant Classification Sherloc (09022015). Collection method: clinical testing. Allele origin: germline.
Comment: This variant has not been reported in the literature in individuals affected with POLE2-related conditions. In summary, the available evidence is currently insufficient to determine the role of this variant in disease. Therefore, it has been classified as a Variant of Uncertain Significance. Variants that disrupt the consensus splice site are a relatively common cause of aberrant splicing (PMID: 17576681, 9536098). Algorithms developed to predict the effect of sequence changes on RNA splicing suggest that this variant may disrupt the consensus splice site. This variant is not present in population databases (gnomAD no frequency). This sequence change falls in intron 3 of the POLE2 gene. It does not directly change the encoded amino acid sequence of the POLE2 protein. It affects a nucleotide within the consensus splice site.

Literature cited by the submitters: PubMed 17576681; PubMed 9536098.